The following is an entry in ClinVar:

NM_001367721.1(CASK):c.1279G>A (p.Glu427Lys)

Gene: CASK (calcium/calmodulin dependent serine protein kinase; minus strand). Cytogenetic location: Xp11.4.
Variant type: single nucleotide variant.
Coding change: c.1279G>A on transcript NM_001367721.1 (MANE Select); coding-DNA position 1279, G replaced by A.
Protein change: p.Glu427Lys; replaces glutamic acid 427 with lysine.
Molecular consequence: missense variant.
Genome position (GRCh38, 1-based): chrX:41,586,942, C>T on the plus strand (G>A on the coding strand, the complement: CASK is on the minus strand). VCF-style: chrX-41586942-C-T. GRCh37 (hg19) VCF-style: chrX-41446195-C-T.
Other names: c.1279G>A, p.Glu427Lys (NM_001126054.3, NM_003688.4); c.1261G>A, p.Glu421Lys (NM_001126055.3, NM_001410745.1); c.1279G>A (NM_003688.3); short protein forms E427K, E421K.
Identifiers: ClinVar variation 2818338 (VCV002818338.4), dbSNP rs2519844657, ClinGen allele CA412999211.
Genomic context (GRCh38, chrX:41,586,942, plus strand): 5'-CTATGGAAGTTTAATTATTACTTACCATGAAATGAGGTTGTGTTAAAATACGCTTTAGTT[C>T]CTTTGCGTCGTTATTCTCAGGGTAACATGAAATTTCTTCCAATACCTAAAAAATAAACAA-3'
Protein context (NP_001354650.1, residues 417-437): SCYPENNDAK[Glu427Lys]LKRILTQPHF

ClinVar aggregate classification (germline): Uncertain significance. Review status: criteria provided, multiple submitters, no conflicts (2 of 4 stars). 2 submissions from 2 submitters: Uncertain significance (2). Last evaluated 2024-10-16.

Conditions:
Intellectual disability, CASK-related, X-linked. Identifiers: MedGen CN043158.

Allele frequency attached by ClinVar (database versions not stated): gnomAD exomes below 0.00001.
gnomAD v4.1: 1 of 1,186,512 alleles (0.000084%); highest among the groups gnomAD compares: Non-Finnish European, 0.00011%; no homozygotes.

Submissions (2):

GeneDx
Classification: Uncertain significance. Last evaluated: 2024-10-16. Review status: criteria provided, single submitter. Criteria: GeneDx Variant Classification Process June 2021. Collection method: clinical testing. Allele origin: germline. Affected: yes.
Comment: Not observed at significant frequency in large population cohorts (gnomAD); In silico analysis supports that this missense variant has a deleterious effect on protein structure/function; Has not been previously published as pathogenic or benign to our knowledge

Labcorp Genetics (formerly Invitae), Labcorp
Classification: Uncertain significance for Intellectual disability, CASK-related, X-linked. Last evaluated: 2022-12-03. Review status: criteria provided, single submitter. Criteria: Invitae Variant Classification Sherloc (09022015). Collection method: clinical testing. Allele origin: germline.
Comment: This sequence change replaces glutamic acid, which is acidic and polar, with lysine, which is basic and polar, at codon 427 of the CASK protein (p.Glu427Lys). This variant is not present in population databases (gnomAD no frequency). This variant has not been reported in the literature in individuals affected with CASK-related conditions. Advanced modeling of protein sequence and biophysical properties (such as structural, functional, and spatial information, amino acid conservation, physicochemical variation, residue mobility, and thermodynamic stability) has been performed at Invitae for this missense variant, however the output from this modeling did not meet the statistical confidence thresholds required to predict the impact of this variant on CASK protein function. In summary, the available evidence is currently insufficient to determine the role of this variant in disease. Therefore, it has been classified as a Variant of Uncertain Significance.